The following is an entry in ClinVar:

ClinVar aggregate classification (germline): Conflicting classifications of pathogenicity. Review status: criteria provided, conflicting classifications (1 of 4 stars). 2 submissions from 2 submitters: Uncertain significance (1); Likely benign (1). Last evaluated 2025-09-02.

Conditions:
Inborn genetic diseases. Identifiers: MedGen C0950123, MeSH D030342.

Allele frequency attached by ClinVar (database versions not stated): gnomAD exomes below 0.00001.
gnomAD v4.1: 2 of 1,614,072 alleles (0.00012%); highest among the groups gnomAD compares: Non-Finnish European, 0.00017%; no homozygotes.

Submissions (2):

Ambry Genetics
Classification: Likely benign for Inborn genetic diseases. Last evaluated: 2025-09-02. Review status: criteria provided, single submitter. Criteria: Ambry Variant Classification Scheme 2023. Collection method: clinical testing. Allele origin: germline.

Labcorp Genetics (formerly Invitae), Labcorp
Classification: Uncertain significance. Last evaluated: 2023-10-03. Review status: criteria provided, single submitter. Criteria: Invitae Variant Classification Sherloc (09022015). Collection method: clinical testing. Allele origin: germline.
Comment: This sequence change replaces threonine, which is neutral and polar, with alanine, which is neutral and non-polar, at codon 2198 of the FAT4 protein (p.Thr2198Ala). This variant is not present in population databases (gnomAD no frequency). This variant has not been reported in the literature in individuals affected with FAT4-related conditions. ClinVar contains an entry for this variant (Variation ID: 1355667). Advanced modeling of protein sequence and biophysical properties (such as structural, functional, and spatial information, amino acid conservation, physicochemical variation, residue mobility, and thermodynamic stability) performed at Invitae indicates that this missense variant is not expected to disrupt FAT4 protein function. In summary, the available evidence is currently insufficient to determine the role of this variant in disease. Therefore, it has been classified as a Variant of Uncertain Significance.

NM_001291303.3(FAT4):c.6592A>G (p.Thr2198Ala)

Gene: FAT4 (FAT atypical cadherin 4; plus strand). Cytogenetic location: 4q28.1.
Variant type: single nucleotide variant.
Coding change: c.6592A>G on transcript NM_001291303.3 (MANE Select); coding-DNA position 6592, A replaced by G.
Protein change: p.Thr2198Ala; replaces threonine 2198 with alanine.
Molecular consequence: missense variant.
Genome position (GRCh38, 1-based): chr4:125,415,555, A>G. VCF-style: chr4-125415555-A-G. GRCh37 (hg19) VCF-style: chr4-126336710-A-G.
Other names: c.6592A>G, p.Thr2198Ala (NM_001291285.3, NM_024582.6); c.6592A>G (NM_024582.4); short protein forms T2198A.
Identifiers: ClinVar variation 1355667 (VCV001355667.6), dbSNP rs2126027812, ClinGen allele CA358130132.